The following is an entry in ClinVar:

NM_004519.4(KCNQ3):c.*7221C>T

Gene: KCNQ3 (potassium voltage-gated channel subfamily Q member 3; minus strand). Cytogenetic location: 8q24.22.
Variant type: single nucleotide variant.
Coding change: c.*7221C>T on transcript NM_004519.4 (MANE Select); 7221 bases downstream of the stop codon, C replaced by T.
Molecular consequence: 3 prime UTR variant.
Genome position (GRCh38, 1-based): chr8:132,122,041, G>A on the plus strand (C>T on the coding strand, the complement: KCNQ3 is on the minus strand). VCF-style: chr8-132122041-G-A. GRCh37 (hg19) VCF-style: chr8-133134288-G-A.
Other names: c.*7221C>T (NM_001204824.2).
Identifiers: ClinVar variation 361757 (VCV000361757.7), dbSNP rs2436124, ClinGen allele CA10630105.
Genomic context (GRCh38, chr8:132,122,041, plus strand): 5'-CCAGGCATCACTCTACTCTCCAGGGAACTCATGGGTCTGTGATCATTTTACTGTAAAGCT[G>A]AGTGAACGTAGAAGCCCGAAGCATTGTGGAGGAGCTAGGGCCTGATTTGAGAGGAAGAAG-3'

ClinVar aggregate classification (germline): Benign. Review status: criteria provided, multiple submitters, no conflicts (2 of 4 stars). 2 submissions from 2 submitters: Benign (2). Last evaluated 2018-01-13.

Conditions:
Seizures, benign familial neonatal, 2. Also called: CONVULSIONS, BENIGN FAMILIAL NEONATAL, 2; KCNQ3-Related Self-Limited Familial Neonatal Epilepsy (SLFNE); Benign Neonatal Epilepsy 2; KCNQ3-Related Benign Familial Neonatal Epilepsy; Seizures, benign neonatal, 2. Identifiers: Orphanet 1949, MedGen C1852581, MONDO:0007366, OMIM 121201.

Allele frequency attached by ClinVar (database versions not stated): 1000 Genomes Project 30x 0.13616; gnomAD 0.20669 and 0.20406; 1000 Genomes Project 0.13518; gnomAD exomes 0.21429; TOPMed 0.19788.
gnomAD v4.1: 31,412 of 152,204 alleles (21%); highest among the groups gnomAD compares: Middle Eastern, 31%; 3,755 homozygotes.

Submissions (2):

Illumina Laboratory Services, Illumina
Classification: Benign for Seizures, benign familial neonatal, 2. Last evaluated: 2018-01-13. Review status: criteria provided, single submitter. Criteria: ICSL Variant Classification Criteria 13 December 2019. Collection method: clinical testing. Allele origin: germline.
Comment: This variant was observed in the ICSL laboratory as part of a predisposition screen in an ostensibly healthy population. It had not been previously curated by ICSL or reported in the Human Gene Mutation Database (HGMD: prior to June 1st, 2018), and was therefore a candidate for classification through an automated scoring system. Utilizing variant allele frequency, disease prevalence and penetrance estimates, and inheritance mode, an automated score was calculated to assess if this variant is too frequent to cause the disease. Based on the score and internal cut-off values, a variant classified as benign is not then subjected to further curation. The score for this variant resulted in a classification of benign for this disease.

Breakthrough Genomics
Classification: Benign. Review status: criteria provided, single submitter. Criteria: ACMG Guidelines, 2015. Collection method: not provided. Allele origin: germline. Inheritance: Autosomal dominant inheritance. Affected: yes.